The following is an entry in ClinVar:

NM_201384.3(PLEC):c.11080G>T (p.Gly3694Cys)

Gene: PLEC (plectin; minus strand). Cytogenetic location: 8q24.3.
Variant type: single nucleotide variant.
Coding change: c.11080G>T on transcript NM_201384.3 (MANE Select); coding-DNA position 11080, G replaced by T.
Protein change: p.Gly3694Cys; replaces glycine 3694 with cysteine.
Molecular consequence: missense variant.
Genome position (GRCh38, 1-based): chr8:143,918,741, C>A on the plus strand (G>T on the coding strand, the complement: PLEC is on the minus strand). VCF-style: chr8-143918741-C-A. GRCh37 (hg19) VCF-style: chr8-144992909-C-A.
Other names: c.11161G>T, p.Gly3721Cys (NM_000445.5); c.11038G>T, p.Gly3680Cys (NM_201378.4); c.11014G>T, p.Gly3672Cys (NM_201379.3); c.11491G>T, p.Gly3831Cys (NM_201380.4); c.10984G>T, p.Gly3662Cys (NM_201381.3); c.11080G>T, p.Gly3694Cys (NM_201382.4); c.11092G>T, p.Gly3698Cys (NM_201383.3); short protein forms G3662C, G3672C, G3680C, G3694C, G3698C, G3721C, G3831C.
Identifiers: ClinVar variation 497092 (VCV000497092.12), dbSNP rs1554676086, ClinGen allele CA372494549.

ClinVar aggregate classification (germline): Uncertain significance. Review status: criteria provided, multiple submitters, no conflicts (2 of 4 stars). 2 submissions from 2 submitters: Uncertain significance (2). Last evaluated 2021-01-12.

Conditions:
Epidermolysis bullosa simplex 5B, with muscular dystrophy (EBS5B). Also called: EPIDERMOLYSIS BULLOSA SIMPLEX AND LIMB-GIRDLE MUSCULAR DYSTROPHY; Epidermolysis bullosa simplex with muscular dystrophy. Identifiers: Orphanet 257, MedGen C2931072, MONDO:0009181, OMIM 226670.
Epidermolysis bullosa simplex, Ogna type (EBS5A). Also called: Pidermolysis bullosa simplex 5A, Ogna type; EPIDERMOLYSIS BULLOSA SIMPLEX 5A, OGNA TYPE. Identifiers: Orphanet 79401, MedGen C0432317, MONDO:0007555, OMIM 131950.
Autosomal recessive limb-girdle muscular dystrophy type 2Q (LGMDR17). Also called: MUSCULAR DYSTROPHY, LIMB-GIRDLE, AUTOSOMAL RECESSIVE 17. Identifiers: Orphanet 254361, MedGen C3150989, MONDO:0013390, OMIM 613723.
Epidermolysis bullosa simplex 5C, with pyloric atresia (EBS5C). Also called: Epidermolysis bullosa simplex with pyloric atresia; PLEC1-Related Epidermolysis Bullosa with Pyloric Atresia; PLEC-Related Epidermolysis Bullosa with Pyloric Atresia. Identifiers: Orphanet 158684, MedGen C2677349, MONDO:0012807, OMIM 612138.
Epidermolysis bullosa simplex with nail dystrophy (EBS5D). Identifiers: MedGen C4225309, MONDO:0014661, OMIM 616487.

Allele frequency attached by ClinVar (database versions not stated): gnomAD exomes below 0.00001.

Submissions (2):

Labcorp Genetics (formerly Invitae), Labcorp
Classification: Uncertain significance for Autosomal recessive limb-girdle muscular dystrophy type 2Q; Epidermolysis bullosa simplex, Ogna type; Epidermolysis bullosa simplex with nail dystrophy; Epidermolysis bullosa simplex 5C, with pyloric atresia; Epidermolysis bullosa simplex 5B, with muscular dystrophy. Last evaluated: 2021-01-12. Review status: criteria provided, single submitter. Criteria: Invitae Variant Classification Sherloc (09022015). Collection method: clinical testing. Allele origin: germline.
Comment: In summary, the available evidence is currently insufficient to determine the role of this variant in disease. Therefore, it has been classified as a Variant of Uncertain Significance. Algorithms developed to predict the effect of missense changes on protein structure and function (SIFT, PolyPhen-2, Align-GVGD) all suggest that this variant is likely to be disruptive, but these predictions have not been confirmed by published functional studies and their clinical significance is uncertain. This variant has not been reported in the literature in individuals with PLEC-related conditions. ClinVar contains an entry for this variant (Variation ID: 497092). This variant is not present in population databases (ExAC no frequency). This sequence change replaces glycine with cysteine at codon 3721 of the PLEC protein (p.Gly3721Cys). The glycine residue is highly conserved and there is a large physicochemical difference between glycine and cysteine.

Eurofins Ntd Llc (ga)
Classification: Uncertain significance. Last evaluated: 2017-02-28. Review status: criteria provided, single submitter. Criteria: EGL Classification Definitions 2015. Collection method: clinical testing. Allele origin: germline. Observed: 3 variant alleles, 3 heterozygotes.